The following is an entry in ClinVar:

NM_003919.3(SGCE):c.334G>A (p.Gly112Arg)

Genes: CASD1 (CAS1 domain containing 1; plus strand), SGCE (sarcoglycan epsilon; minus strand). Cytogenetic location: 7q21.3.
Variant type: single nucleotide variant.
Coding change: c.334G>A on transcript NM_003919.3 (MANE Select); coding-DNA position 334, G replaced by A.
Protein change: p.Gly112Arg; replaces glycine 112 with arginine.
Molecular consequence: missense variant.
Genome position (GRCh38, 1-based): chr7:94,628,258, C>T on the plus strand (G>A on the coding strand, the complement: SGCE is on the minus strand). VCF-style: chr7-94628258-C-T. GRCh37 (hg19) VCF-style: chr7-94257570-C-T.
Other names: c.334G>A, p.Gly112Arg (NM_001099400.2, NM_001099401.2, NM_001346717.2); c.211G>A, p.Gly71Arg (NM_001301139.2, NM_001362809.2); c.442G>A, p.Gly148Arg (NM_001346713.2, NM_001346715.2); c.247G>A, p.Gly83Arg (NM_001346719.2, NM_001362807.2); c.61G>A, p.Gly21Arg (NM_001346720.2, NM_001362808.2); short protein forms G112R, G148R, G21R, G71R, G83R.
Identifiers: ClinVar variation 2444585 (VCV002444585.1), dbSNP rs2485168601, ClinGen allele CA368238043.

ClinVar aggregate classification (germline): Uncertain significance (1 of 4 stars; one submission).

Submission:

GeneDx
Classification: Uncertain significance. Last evaluated: 2023-03-12. Review status: criteria provided, single submitter. Criteria: GeneDx Variant Classification Process June 2021. Collection method: clinical testing. Allele origin: germline. Affected: yes.
Comment: Reported previously in three siblings with myoclonus-dystonia syndrome; complete segregation information unavailable (Nardocci et al., 2008); Not observed at significant frequency in large population cohorts (gnomAD); In silico analysis supports that this missense variant has a deleterious effect on protein structure/function; This variant is associated with the following publications: (PMID: 17853490)